The following is an entry in ClinVar:

NC_000019.9:g.(?_8665792)_(8670595_?)dup

Gene: ADAMTS10 (ADAM metallopeptidase with thrombospondin type 1 motif 10; minus strand). Cytogenetic location: 19p13.2.
Variant type: Duplication.
Identifiers: ClinVar variation 2426956 (VCV002426956.3).

ClinVar aggregate classification (germline): Uncertain significance (1 of 4 stars; one submission).

Submission:

Labcorp Genetics (formerly Invitae), Labcorp
Classification: Uncertain significance. Last evaluated: 2022-10-07. Review status: criteria provided, single submitter. Criteria: Invitae Variant Classification Sherloc (09022015). Collection method: clinical testing. Allele origin: germline.
Comment: This variant results in a copy number gain of the genomic region encompassing exon(s) 3-6 of the ADAMTS10 gene. This region includes the initiator codon of the gene. This copy number gain extends beyond the assayed region for this gene and therefore may encompass additional genes. As the precise location of this event is unknown, it may be in tandem or it may be located elsewhere in the genome. This variant has not been reported in the literature in individuals affected with ADAMTS10-related conditions. Experimental studies and prediction algorithms are not available or were not evaluated, and the functional significance of this variant is currently unknown. In summary, the available evidence is currently insufficient to determine the role of this variant in disease. Therefore, it has been classified as a Variant of Uncertain Significance.